The following is an entry in ClinVar:

ClinVar aggregate classification (germline): Likely pathogenic. Review status: criteria provided, multiple submitters, no conflicts (2 of 4 stars). 2 submissions from 2 submitters: Likely pathogenic (2). Last evaluated 2021-12-28.

Conditions:
Werner syndrome (WRN). Identifiers: Orphanet 902, MedGen C0043119, MONDO:0010196, OMIM 277700.

Allele frequency attached by ClinVar (database versions not stated): gnomAD exomes below 0.00001.
gnomAD v4.1: 3 of 1,597,686 alleles (0.00019%); highest among the groups gnomAD compares: South Asian, 0.0023%; no homozygotes.

Submissions (2):

Fulgent Genetics
Classification: Likely pathogenic for Werner syndrome. Last evaluated: 2021-12-28. Review status: criteria provided, single submitter. Criteria: ACMG Guidelines, 2015. Collection method: clinical testing. Allele origin: unknown.

Labcorp Genetics (formerly Invitae), Labcorp
Classification: Likely pathogenic for Werner syndrome. Last evaluated: 2020-01-13. Review status: criteria provided, single submitter. Criteria: Invitae Variant Classification Sherloc (09022015). Collection method: clinical testing. Allele origin: germline.
Comment: This variant is not present in population databases (ExAC no frequency). In summary, the currently available evidence indicates that the variant is pathogenic, but additional data are needed to prove that conclusively. Therefore, this variant has been classified as Likely Pathogenic. Donor and acceptor splice site variants typically lead to a loss of protein function (PMID: 16199547), and loss-of-function variants in WRN are known to be pathogenic (PMID: 16673358). Algorithms developed to predict the effect of sequence changes on RNA splicing suggest that this variant may disrupt the consensus splice site, but this prediction has not been confirmed by published transcriptional studies. This variant has not been reported in the literature in individuals with WRN-related conditions. This sequence change affects a donor splice site in intron 27 of the WRN gene. It is expected to disrupt RNA splicing and likely results in an absent or disrupted protein product.

Literature cited by the submitters: PubMed 16199547 (cited by Labcorp Genetics (formerly Invitae), Labcorp); PubMed 16673358 (cited by Labcorp Genetics (formerly Invitae), Labcorp).

NM_000553.6(WRN):c.3309+1G>T

Gene: WRN (WRN RecQ like helicase; plus strand). Cytogenetic location: 8p12.
Variant type: single nucleotide variant.
Coding change: c.3309+1G>T on transcript NM_000553.6 (MANE Select); the canonical splice donor site of the intron after coding-DNA position 3309, G replaced by T.
Molecular consequence: splice donor variant.
Genome position (GRCh38, 1-based): chr8:31,142,702, G>T. VCF-style: chr8-31142702-G-T. GRCh37 (hg19) VCF-style: chr8-31000218-G-T.
Identifiers: ClinVar variation 1066829 (VCV001066829.6), dbSNP rs1281075870, ClinGen allele CA370923538.